The following is an entry in ClinVar:

ClinVar aggregate classification (germline): Uncertain significance. Review status: criteria provided, multiple submitters, no conflicts (2 of 4 stars). 3 submissions from 3 submitters: Uncertain significance (3). Last evaluated 2025-05-19.

Conditions:
Inborn genetic diseases. Identifiers: MedGen C0950123, MeSH D030342.

Allele frequency attached by ClinVar (database versions not stated): gnomAD 0.00001; TOPMed 0.00002.
gnomAD v4.1: 16 of 1,460,596 alleles (0.0011%); highest among the groups gnomAD compares: Admixed American, 0.0024%; no homozygotes.

Submissions (3):

Ambry Genetics
Classification: Uncertain significance for Inborn genetic diseases. Last evaluated: 2025-05-19. Review status: criteria provided, single submitter. Criteria: Ambry Variant Classification Scheme 2023. Collection method: clinical testing. Allele origin: germline.

Athena Diagnostics
Classification: Uncertain significance. Last evaluated: 2024-08-05. Review status: criteria provided, single submitter. Criteria: Athena Diagnostics Criteria. Collection method: clinical testing. Allele origin: unknown.
Comment: Available data are insufficient to determine the clinical significance of the variant at this time. The frequency of this variant in the general population is uninformative in assessment of its pathogenicity. Polyphen and MutationTaster predict this amino acid change may be benign.

Labcorp Genetics (formerly Invitae), Labcorp
Classification: Uncertain significance. Last evaluated: 2023-06-14. Review status: criteria provided, single submitter. Criteria: Invitae Variant Classification Sherloc (09022015). Collection method: clinical testing. Allele origin: germline.
Comment: The frequency data for this variant in the population databases is considered unreliable, as metrics indicate poor data quality at this position in the gnomAD database. This variant has not been reported in the literature in individuals affected with AFG3L2-related conditions. ClinVar contains an entry for this variant (Variation ID: 1919728). Advanced modeling of protein sequence and biophysical properties (such as structural, functional, and spatial information, amino acid conservation, physicochemical variation, residue mobility, and thermodynamic stability) performed at Invitae indicates that this missense variant is not expected to disrupt AFG3L2 protein function. In summary, the available evidence is currently insufficient to determine the role of this variant in disease. Therefore, it has been classified as a Variant of Uncertain Significance. This sequence change replaces valine, which is neutral and non-polar, with methionine, which is neutral and non-polar, at codon 28 of the AFG3L2 protein (p.Val28Met).

NM_006796.3(AFG3L2):c.82G>A (p.Val28Met)

Gene: AFG3L2 (AFG3 like matrix AAA peptidase subunit 2; minus strand). Cytogenetic location: 18p11.21.
Variant type: single nucleotide variant.
Coding change: c.82G>A on transcript NM_006796.3 (MANE Select); coding-DNA position 82, G replaced by A.
Protein change: p.Val28Met; replaces valine 28 with methionine.
Molecular consequence: missense variant.
Genome position (GRCh38, 1-based): chr18:12,377,001, C>T on the plus strand (G>A on the coding strand, the complement: AFG3L2 is on the minus strand). VCF-style: chr18-12377001-C-T. GRCh37 (hg19) VCF-style: chr18-12377000-C-T.
Other names: short protein forms V28M.
Identifiers: ClinVar variation 1919728 (VCV001919728.7), dbSNP rs1168163108, ClinGen allele CA401955507.
Genomic context (GRCh38, chr18:12,377,001, plus strand): 5'-GGGCGCCGGGCGCCCAGGTAGGACTCACCGTCCGGAGGCAGGGCTGCTCGCCCGGGCCCA[C>T]GCCGCCAGGCACGAGGAGCTGCTGTAGGCCGCGGGGCCAGCAGCCGCCCCGGCCCCACAG-3'
Protein context (NP_006787.2, residues 18-38): GLQQLLVPGG[Val28Met]GPGEQPCLRT